The following is an entry in ClinVar:

NM_018297.4(NGLY1):c.1622C>T (p.Ala541Val)

Gene: NGLY1 (N-glycanase 1; minus strand). Cytogenetic location: 3p24.2.
Variant type: single nucleotide variant.
Coding change: c.1622C>T on transcript NM_018297.4 (MANE Select); coding-DNA position 1622, C replaced by T.
Protein change: p.Ala541Val; replaces alanine 541 with valine.
Molecular consequence: missense variant. On other transcripts: intron variant (1).
Genome position (GRCh38, 1-based): chr3:25,720,181, G>A on the plus strand (C>T on the coding strand, the complement: NGLY1 is on the minus strand). VCF-style: chr3-25720181-G-A. GRCh37 (hg19) VCF-style: chr3-25761672-G-A.
Other names: c.1568C>T, p.Ala523Val (NM_001145293.2); c.1496C>T, p.Ala499Val (NM_001145294.2); c.1612-546C>T (NM_001145295.2); short protein forms A523V, A541V, A499V.
Identifiers: ClinVar variation 944818 (VCV000944818.4), dbSNP rs752138969, ClinGen allele CA2289103.

ClinVar aggregate classification (germline): Uncertain significance (1 of 4 stars; one submission).

Conditions:
Congenital disorder of deglycosylation (CDDG). Identifiers: MedGen C3808991, MONDO:0031376.

Allele frequency attached by ClinVar (database versions not stated): gnomAD exomes below 0.00001 and 0.00001; ExAC 0.00001; gnomAD 0.00001; TOPMed 0.00002.
gnomAD v4.1: 6 of 1,612,918 alleles (0.00037%); highest among the groups gnomAD compares: Non-Finnish European, 0.00051%; no homozygotes.

Submission:

Labcorp Genetics (formerly Invitae), Labcorp
Classification: Uncertain significance for Congenital disorder of deglycosylation. Last evaluated: 2022-08-15. Review status: criteria provided, single submitter. Criteria: Invitae Variant Classification Sherloc (09022015). Collection method: clinical testing. Allele origin: germline.
Comment: This sequence change replaces alanine, which is neutral and non-polar, with valine, which is neutral and non-polar, at codon 541 of the NGLY1 protein (p.Ala541Val). The frequency data for this variant in the population databases is considered unreliable, as metrics indicate poor data quality at this position in the gnomAD database. This variant has not been reported in the literature in individuals affected with NGLY1-related conditions. ClinVar contains an entry for this variant (Variation ID: 944818). Algorithms developed to predict the effect of missense changes on protein structure and function are either unavailable or do not agree on the potential impact of this missense change (SIFT: "Deleterious"; PolyPhen-2: "Probably Damaging"; Align-GVGD: "Class C0"). In summary, the available evidence is currently insufficient to determine the role of this variant in disease. Therefore, it has been classified as a Variant of Uncertain Significance.